The following is an entry in ClinVar:

ClinVar aggregate classification (germline): Uncertain significance. Review status: criteria provided, multiple submitters, no conflicts (2 of 4 stars). 2 submissions from 2 submitters: Uncertain significance (2). Last evaluated 2024-10-07.

Conditions:
Ehlers-Danlos syndrome, classic type, 1 (EDSCL1). Also called: Ehlers-Danlos syndrome, type 1; Ehlers-Danlos Syndrome, Classic Type, COL5A1-Related; EDS I; EHLERS-DANLOS SYNDROME, GRAVIS TYPE; EHLERS-DANLOS SYNDROME, SEVERE CLASSIC TYPE. Identifiers: MedGen C0268335, MONDO:0019567, OMIM 130000.

Allele frequency attached by ClinVar (database versions not stated): TOPMed below 0.00001; gnomAD 0.00001.

Submissions (2):

Blueprint Genetics
Classification: Uncertain significance. Last evaluated: 2024-10-07. Review status: criteria provided, single submitter. Criteria: ACMG Guidelines, 2015. Collection method: clinical testing. Allele origin: germline.

Labcorp Genetics (formerly Invitae), Labcorp
Classification: Uncertain significance for Ehlers-Danlos syndrome, classic type, 1. Last evaluated: 2021-08-28. Review status: criteria provided, single submitter. Criteria: Invitae Variant Classification Sherloc (09022015). Collection method: clinical testing. Allele origin: germline.
Comment: This sequence change replaces proline with serine at codon 86 of the COL5A1 protein (p.Pro86Ser). The proline residue is highly conserved and there is a moderate physicochemical difference between proline and serine. This variant is not present in population databases (ExAC no frequency). This variant has not been reported in the literature in individuals affected with COL5A1-related conditions. Algorithms developed to predict the effect of missense changes on protein structure and function are either unavailable or do not agree on the potential impact of this missense change (SIFT: "Deleterious"; PolyPhen-2: "Probably Damaging"; Align-GVGD: "Class C0"). In summary, the available evidence is currently insufficient to determine the role of this variant in disease. Therefore, it has been classified as a Variant of Uncertain Significance.

NM_000093.5(COL5A1):c.256C>T (p.Pro86Ser)

Gene: COL5A1 (collagen type V alpha 1 chain; plus strand). Cytogenetic location: 9q34.3.
Variant type: single nucleotide variant.
Coding change: c.256C>T on transcript NM_000093.5 (MANE Select); coding-DNA position 256, C replaced by T.
Protein change: p.Pro86Ser; replaces proline 86 with serine.
Molecular consequence: missense variant.
Genome position (GRCh38, 1-based): chr9:134,691,058, C>T. VCF-style: chr9-134691058-C-T. GRCh37 (hg19) VCF-style: chr9-137582904-C-T.
Other names: c.256C>T, p.Pro86Ser (NM_001278074.1); short protein forms P86S.
Identifiers: ClinVar variation 459662 (VCV000459662.5), dbSNP rs1277995091, ClinGen allele CA375440638.